The following is an entry in ClinVar:

ClinVar aggregate classification (germline): Likely pathogenic (1 of 4 stars; one submission).

Conditions:
Familial thoracic aortic aneurysm and aortic dissection (TAAD). Also called: Thoracic aortic aneurysms and dissections. Identifiers: Orphanet 91387, MedGen C4707243, MONDO:0019625.
Marfan syndrome (MFS). Also called: FBN1-Related Marfan Syndrome; Marfan's syndrome; MARFAN SYNDROME, TYPE I; Marfan syndrome type 1; Marfan syndrome, classic. Identifiers: Orphanet 284963, Orphanet 558, MedGen C0024796, MONDO:0007947, OMIM 154700.

Submission:

Labcorp Genetics (formerly Invitae), Labcorp
Classification: Likely pathogenic for Marfan syndrome; Familial thoracic aortic aneurysm and aortic dissection. Last evaluated: 2022-11-29. Review status: criteria provided, single submitter. Criteria: Invitae Variant Classification Sherloc (09022015). Collection method: clinical testing. Allele origin: germline.
Comment: Advanced modeling of protein sequence and biophysical properties (such as structural, functional, and spatial information, amino acid conservation, physicochemical variation, residue mobility, and thermodynamic stability) performed at Invitae indicates that this missense variant is expected to disrupt FBN1 protein function. ClinVar contains an entry for this variant (Variation ID: 857099). This missense change has been observed in individual(s) with clinical features of Marfan syndrome (Invitae). This variant is not present in population databases (gnomAD no frequency). This sequence change replaces glycine, which is neutral and non-polar, with cysteine, which is neutral and slightly polar, at codon 1310 of the FBN1 protein (p.Gly1310Cys). In summary, the currently available evidence indicates that the variant is pathogenic, but additional data are needed to prove that conclusively. Therefore, this variant has been classified as Likely Pathogenic. This variant disrupts the p.Gly1310 amino acid residue in FBN1. Other variant(s) that disrupt this residue have been observed in individuals with FBN1-related conditions (PMID: 17627385, 24940037), which suggests that this may be a clinically significant amino acid residue.

Literature cited by the submitters: PubMed 17627385; PubMed 24940037.

NM_000138.5(FBN1):c.3928G>T (p.Gly1310Cys)

Gene: FBN1 (fibrillin 1; minus strand). Cytogenetic location: 15q21.1.
Variant type: single nucleotide variant.
Coding change: c.3928G>T on transcript NM_000138.5 (MANE Select); coding-DNA position 3928, G replaced by T.
Protein change: p.Gly1310Cys; replaces glycine 1310 with cysteine.
Molecular consequence: missense variant.
Genome position (GRCh38, 1-based): chr15:48,481,691, C>A on the plus strand (G>T on the coding strand, the complement: FBN1 is on the minus strand). VCF-style: chr15-48481691-C-A. GRCh37 (hg19) VCF-style: chr15-48773888-C-A.
Other names: short protein forms G1310C.
Identifiers: ClinVar variation 857099 (VCV000857099.9), dbSNP rs2043466325, ClinGen allele CA392322266.